The following is an entry in ClinVar:

ClinVar aggregate classification (germline): Uncertain significance. Review status: criteria provided, multiple submitters, no conflicts (2 of 4 stars). 2 submissions from 2 submitters: Uncertain significance (2). Last evaluated 2024-03-22.

Conditions:
Fanconi anemia (FA). Also called: Fanconi's anemia. Identifiers: Orphanet 84, MedGen C0015625, MeSH D005199, MONDO:0019391.
Fanconi anemia complementation group I (FANCI). Also called: FANCI-Related Fanconi Anemia. Identifiers: Orphanet 84, MedGen C1836861, MONDO:0012186, OMIM 609053.

Allele frequency attached by ClinVar (database versions not stated): gnomAD 0.00002; TOPMed 0.00003; gnomAD exomes 0.00004; ExAC 0.00005.
gnomAD v4.1: 11 of 1,613,498 alleles (0.00068%); highest among the groups gnomAD compares: East Asian, 0.02%; no homozygotes.

Submissions (2):

Fulgent Genetics
Classification: Uncertain significance for Fanconi anemia complementation group I. Last evaluated: 2024-03-22. Review status: criteria provided, single submitter. Criteria: ACMG Guidelines, 2015. Collection method: clinical testing. Allele origin: germline.

Labcorp Genetics (formerly Invitae), Labcorp
Classification: Uncertain significance for Fanconi anemia. Last evaluated: 2022-01-26. Review status: criteria provided, single submitter. Criteria: Invitae Variant Classification Sherloc (09022015). Collection method: clinical testing. Allele origin: germline.
Comment: This sequence change replaces isoleucine, which is neutral and non-polar, with phenylalanine, which is neutral and non-polar, at codon 658 of the FANCI protein (p.Ile658Phe). This variant is present in population databases (rs745308624, gnomAD 0.06%). This variant has not been reported in the literature in individuals affected with FANCI-related conditions. ClinVar contains an entry for this variant (Variation ID: 665203). Algorithms developed to predict the effect of missense changes on protein structure and function are either unavailable or do not agree on the potential impact of this missense change (SIFT: "Deleterious"; PolyPhen-2: "Benign"; Align-GVGD: "Class C0"). In summary, the available evidence is currently insufficient to determine the role of this variant in disease. Therefore, it has been classified as a Variant of Uncertain Significance.

NM_001113378.2(FANCI):c.1972A>T (p.Ile658Phe)

Gene: FANCI (FA complementation group I; plus strand). Cytogenetic location: 15q26.1.
Variant type: single nucleotide variant.
Coding change: c.1972A>T on transcript NM_001113378.2 (MANE Select); coding-DNA position 1972, A replaced by T.
Protein change: p.Ile658Phe; replaces isoleucine 658 with phenylalanine.
Molecular consequence: missense variant.
Genome position (GRCh38, 1-based): chr15:89,291,694, A>T. VCF-style: chr15-89291694-A-T. GRCh37 (hg19) VCF-style: chr15-89834925-A-T.
Other names: c.1693A>T, p.Ile565Phe (NM_001376910.1); c.1972A>T, p.Ile658Phe (NM_001376911.1, NM_018193.3); short protein forms I658F, I565F.
Identifiers: ClinVar variation 665203 (VCV000665203.7), dbSNP rs745308624, ClinGen allele CA7723228.
Genomic context (GRCh38, chr15:89,291,694, plus strand): 5'-AAACCTGATCTGCTGCCTCCTCTGAAATTAGAAGCTTGTATTCTGACCCAAGGAGATAAG[A>T]TCTCTCTACAAGAACCACTGGTGAGACTTTTATTCTTCCTTCAACCATTATTTTTAGTAT-3'
Protein context (NP_001106849.1, residues 648-668): EACILTQGDK[Ile658Phe]SLQEPLDYLL